The following is an entry in ClinVar:

ClinVar aggregate classification (germline): Uncertain significance (1 of 4 stars; one submission).

Conditions:
Inborn genetic diseases. Identifiers: MedGen C0950123, MeSH D030342.

Allele frequency attached by ClinVar (database versions not stated): gnomAD exomes below 0.00001; gnomAD 0.00001; TOPMed 0.00002.
gnomAD v4.1: 2 of 1,613,902 alleles (0.00012%); highest among the groups gnomAD compares: South Asian, 0.0011%; no homozygotes.

Submission:

Ambry Genetics
Classification: Uncertain significance for Inborn genetic diseases. Last evaluated: 2021-07-20. Review status: criteria provided, single submitter. Criteria: Ambry Variant Classification Scheme 2023. Collection method: clinical testing. Allele origin: germline.
Comment: The p.I567T variant (also known as c.1700T>C), located in coding exon 14 of the BUB1B gene, results from a T to C substitution at nucleotide position 1700. The isoleucine at codon 567 is replaced by threonine, an amino acid with similar properties. This amino acid position is conserved. In addition, this alteration is predicted to be tolerated by in silico analysis. Since supporting evidence is limited at this time, the clinical significance of this alteration remains unclear.

NM_001211.6(BUB1B):c.1700T>C (p.Ile567Thr)

Gene: BUB1B (BUB1 mitotic checkpoint serine/threonine kinase B; plus strand). Cytogenetic location: 15q15.1.
Variant type: single nucleotide variant.
Coding change: c.1700T>C on transcript NM_001211.6 (MANE Select); coding-DNA position 1700, T replaced by C.
Protein change: p.Ile567Thr; replaces isoleucine 567 with threonine.
Molecular consequence: missense variant.
Genome position (GRCh38, 1-based): chr15:40,202,660, T>C. VCF-style: chr15-40202660-T-C. GRCh37 (hg19) VCF-style: chr15-40494861-T-C.
Other names: short protein forms I567T.
Identifiers: ClinVar variation 1778350 (VCV001778350.2), dbSNP rs2037588467, ClinGen allele CA391691676.